The following is an entry in ClinVar:

ClinVar aggregate classification (germline): Pathogenic (3 of 4 stars; one submission).

Conditions:
Breast-ovarian cancer, familial, susceptibility to, 1 (BROVCA1). Also called: BRCA1 Hereditary Breast and Ovarian Cancer; OVARIAN CANCER, SUSCEPTIBILITY TO. Identifiers: Orphanet 145, MedGen C2676676, MONDO:0011450, OMIM 604370. Disease mechanism: loss of function.

Submission:

Evidence-based Network for the Interpretation of Germline Mutant Alleles (ENIGMA)
Classification: Pathogenic for Breast-ovarian cancer, familial, susceptibility to, 1. Last evaluated: 2017-12-15. Review status: reviewed by expert panel. Criteria: ENIGMA BRCA1/2 Classification Criteria (2017-06-29). Collection method: curation. Allele origin: germline. Study: ENIGMA.
Comment: Variant allele predicted to encode a truncated non-functional protein.

NM_007294.4(BRCA1):c.5059_5060insCAAC (p.Val1687fs)

Gene: BRCA1 (BRCA1 DNA repair associated; minus strand). Cytogenetic location: 17q21.31.
Variant type: Insertion.
Coding change: c.5059_5060insCAAC on transcript NM_007294.4 (MANE Select); coding-DNA positions 5059 to 5060, CAAC inserted.
Protein change: p.Val1687fs; shifts the reading frame from valine 1687.
Molecular consequence: frameshift variant. On other transcripts: non-coding transcript variant (1).
Genome position: GRCh38 VCF-style: chr17-43067622-A-AGTTG. GRCh37 (hg19) VCF-style: chr17-41219639-A-AGTTG.
Other names: c.4846_4847insCAAC, p.Val1616Alafs (NM_001407571.1, NM_001407894.1, NM_001407895.1 and 12 more transcripts); c.5125_5126insCAAC, p.Val1709Alafs (NM_001407581.1, NM_001407582.1); c.5122_5123insCAAC, p.Val1708Alafs (NM_001407583.1, NM_001407585.1, NM_001407587.1); c.5119_5120insCAAC, p.Val1707Alafs (NM_001407590.1, NM_001407591.1); c.5059_5060insCAAC, p.Val1687Alafs (NM_001407593.1, NM_001407594.1, NM_001407596.1 and 8 more transcripts); c.5056_5057insCAAC, p.Val1686Alafs (NM_001407610.1, NM_001407611.1, NM_001407612.1 and 17 more transcripts); c.5053_5054insCAAC, p.Val1685Alafs (NM_001407627.1, NM_001407628.1, NM_001407629.1 and 14 more transcripts); c.5050_5051insCAAC, p.Val1684Alafs (NM_001407644.1, NM_001407645.1); and 73 more; short protein forms V1687fs, V1708fs, V583fs, V1640fs.
Identifiers: ClinVar variation 548270 (VCV000548270.2), dbSNP rs1555579630, ClinGen allele CA658824724.